The following is an entry in ClinVar:

ClinVar aggregate classification (germline): Likely pathogenic (0 of 4 stars; one submission).

Conditions:
Polycystic kidney disease, adult type (PKD1). Also called: POLYCYSTIC KIDNEY DISEASE 1 WITH OR WITHOUT POLYCYSTIC LIVER DISEASE; POLYCYSTIC KIDNEY DISEASE, ADULT, TYPE I; Polycystic Kidney Disease 1, Autosomal Dominant; Polycystic kidney disease 1; Polycystic kidney disease 1, severe; Polycystic Kidney, Autosomal Dominant. Identifiers: MedGen C3149841, MONDO:0008263, OMIM 173900.

Submission:

Diagnostics Centre, Carl Von Ossietzky University Oldenburg
Classification: Likely pathogenic for Polycystic kidney disease, adult type. Last evaluated: 2024-08-02. Review status: no assertion criteria provided. Collection method: clinical testing. Allele origin: germline. Affected: yes. Observed: 1 variant allele.
Comment: The variant results in a frameshift at protein position 1062 and the formation of a premature stop codon after 12 amino acids. The variant affects an exon [13/46] present in biologically relevant transcript and is predicted to cause protein truncation/absent due to nonsense mediated decay in a gene where loss-of-function is a known mechanism of disease. The variant has not yet been described in ClinVar. The variant is classified as very rare since it is absent in gnomAD v4.1.0. In summary, the variant is classified as Likely pathogenic.

NM_001009944.3(PKD1):c.3075del (p.Thr1026fs)

Gene: PKD1 (polycystin 1, transient receptor potential channel interacting; minus strand). Cytogenetic location: 16p13.3.
Variant type: Deletion.
Coding change: c.3075del on transcript NM_001009944.3 (MANE Select); coding-DNA position 3075, one base deleted (C; older notation c.3075delC).
Protein change: p.Thr1026fs; shifts the reading frame from threonine 1026.
Molecular consequence: frameshift variant.
Genome position (GRCh38, 1-based): chr16:2,112,874, G deleted on the plus strand (C on the coding strand, the reverse complement: PKD1 is on the minus strand); the first of 2 consecutive G bases (chr16:2,112,874-2,112,875); deleting either gives the same sequence. VCF-style (leftmost placement, unchanged base first): chr16-2112873-TG-T. GRCh37 (hg19) VCF-style: chr16-2162874-TG-T.
Other names: c.3075del, p.Thr1026fs (NM_000296.4); short protein forms T1026fs.
Identifiers: ClinVar variation 3899237 (VCV003899237.1).